The following is an entry in ClinVar:

ClinVar aggregate classification (germline): Uncertain significance (1 of 4 stars; one submission).

Submission:

Ambry Genetics
Classification: Uncertain significance. Last evaluated: 2025-10-23. Review status: criteria provided, single submitter. Criteria: Ambry Variant Classification Scheme 2023. Collection method: clinical testing. Allele origin: germline.
Comment: The p.T380S variant (also known as c.1139C>G), located in coding exon 10 of the GEN1 gene, results from a C to G substitution at nucleotide position 1139. The threonine at codon 380 is replaced by serine, an amino acid with similar properties. This amino acid position is conserved. In addition, this alteration is predicted to be tolerated by in silico analysis. Based on the available evidence, the clinical significance of this variant remains unclear.

NM_001130009.3(GEN1):c.1139C>G (p.Thr380Ser)

Gene: GEN1 (GEN1 structure-specific endonuclease; plus strand). Cytogenetic location: 2p24.2.
Variant type: single nucleotide variant.
Coding change: c.1139C>G on transcript NM_001130009.3 (MANE Select); coding-DNA position 1139, C replaced by G.
Protein change: p.Thr380Ser; replaces threonine 380 with serine.
Molecular consequence: missense variant.
Genome position (GRCh38, 1-based): chr2:17,774,338, C>G. VCF-style: chr2-17774338-C-G. GRCh37 (hg19) VCF-style: chr2-17955605-C-G.
Other names: c.1139C>G, p.Thr380Ser (NM_182625.5); short protein forms T380S.
Identifiers: ClinVar variation 4671478 (VCV004671478.1).
Genomic context (GRCh38, chr2:17,774,338, plus strand): 5'-CTCTTGAAAAAATGGAGTGGCCCAATCACTATGCATGTGAGAAATTGCTGGTACTTTTGA[C>G]CCATTATGACATGATAGAAAGAAAGCTTGGTAGCAGAAACTCTAATCAACTACAGCCAAT-3'
Protein context (NP_001123481.3, residues 370-390): YACEKLLVLL[Thr380Ser]HYDMIERKLG